The following is an entry in ClinVar:

NM_004360.5(CDH1):c.1163_1171dup (p.Glu388_Asn390dup)

Gene: CDH1 (cadherin 1; plus strand). Cytogenetic location: 16q22.1.
Variant type: Duplication.
Coding change: c.1163_1171dup on transcript NM_004360.5 (MANE Select); coding-DNA positions 1163 to 1171, 9 bases duplicated (AGGCTAACG; older notation c.1163_1171dupAGGCTAACG).
Protein change: p.Glu388_Asn390dup.
Molecular consequence: inframe insertion. On other transcripts: 5 prime UTR variant (2), intron variant (1).
Genome position (GRCh38, 1-based): chr16:68,813,338-68,813,346, AGGCTAACG duplicated; duplicating any 9 consecutive bases within chr16:68,813,334-68,813,346 gives the same sequence; the c. name uses the placement nearest the transcript's 3' end. VCF-style (leftmost placement, unchanged base first): chr16-68813333-G-GAACGAGGCT. GRCh37 (hg19) VCF-style: chr16-68847236-G-GAACGAGGCT.
Other names: c.1163_1171dup (LRG_301t1); c.-453_-445dup (NM_001317185.2); c.-657_-649dup (NM_001317186.2); c.1137+1075_1137+1083dup (NM_001317184.2); c.1163_1171dupAGGCTAACG (NM_004360.3); c.1163_1171dup9 (NM_004360.4).
Identifiers: ClinVar variation 483242 (VCV000483242.20), dbSNP rs772580163, ClinGen allele CA8130016.

ClinVar aggregate classification (germline): Uncertain significance. Review status: criteria provided, multiple submitters, no conflicts (2 of 4 stars). 4 submissions from 4 submitters: Uncertain significance (4). Last evaluated 2025-11-10.

Conditions:
CDH1-related disorder. Also called: CDH1-related condition.
Hereditary diffuse gastric adenocarcinoma (HDGC). Also called: DIFFUSE GASTRIC AND LOBULAR BREAST CANCER SYNDROME. Identifiers: Orphanet 26106, MedGen C1708349, MONDO:0007648, OMIM 137215.
Hereditary cancer-predisposing syndrome. Also called: Hereditary neoplastic syndrome; Neoplastic Syndromes, Hereditary; Tumor predisposition; Hereditary Cancer Syndrome. Identifiers: Orphanet 140162, MedGen C0027672, MeSH D009386, MONDO:0015356.

Submissions (4):

Labcorp Genetics (formerly Invitae), Labcorp
Classification: Uncertain significance for Hereditary diffuse gastric adenocarcinoma. Last evaluated: 2025-11-10. Review status: criteria provided, single submitter. Criteria: Invitae Variant Classification Sherloc (09022015). Collection method: clinical testing. Allele origin: germline.
Comment: This variant, c.1163_1171dup, results in the insertion of 3 amino acid(s) of the CDH1 protein (p.Glu388_Asn390dup), but otherwise preserves the integrity of the reading frame. This variant is present in population databases (rs772580163, gnomAD 0.002%). This variant has not been reported in the literature in individuals affected with CDH1-related conditions. ClinVar contains an entry for this variant (Variation ID: 483242). Experimental studies and prediction algorithms are not available or were not evaluated, and the functional significance of this variant is currently unknown. In summary, the available evidence is currently insufficient to determine the role of this variant in disease. Therefore, it has been classified as a Variant of Uncertain Significance.

Ambry Genetics
Classification: Uncertain significance for Hereditary cancer-predisposing syndrome. Last evaluated: 2025-01-02. Review status: criteria provided, single submitter. Criteria: Ambry Variant Classification Scheme 2023. Collection method: clinical testing. Allele origin: germline.
Comment: The c.1163_1171dupAGGCTAACG variant (also known as p.E388_N390dup), located in coding exon 9 of the CDH1 gene, results from an in-frame duplication of AGGCTAACG at nucleotide positions 1163 to 1171. This results in the duplication of 3 extra residues (EAN) at codons 388 to 390. This amino acid region is not well conserved in available vertebrate species. In addition, this alteration is predicted to be deleterious by in silico analysis (Choi Y et al. PLoS ONE. 2012; 7(10):e46688). Since supporting evidence is limited at this time, the clinical significance of this alteration remains unclear.

PreventionGenetics, part of Exact Sciences
Classification: Uncertain significance for CDH1-related condition. Last evaluated: 2023-09-15. Review status: criteria provided, single submitter. Criteria: ACMG Guidelines, 2015. Collection method: clinical testing. Allele origin: germline.
Comment: The CDH1 c.1163_1171dup9 variant is predicted to result in an in-frame duplication (p.Glu388_Asn390dup). To our knowledge, this variant has not been reported in the literature. This variant is reported in 0.00088% of alleles in individuals of European (Non-Finnish) descent in gnomAD. At this time, the clinical significance of this variant is uncertain due to the absence of conclusive functional and genetic evidence.

Color Diagnostics, LLC DBA Color Health
Classification: Uncertain significance for Hereditary cancer-predisposing syndrome. Last evaluated: 2022-05-06. Review status: criteria provided, single submitter. Criteria: ACMG Guidelines, 2015. Collection method: clinical testing. Allele origin: germline.
Comment: This variant causes a duplication of 3 amino acids in the CDH1 protein. To our knowledge, functional studies have not been reported for this variant. This variant has not been reported in individuals affected with hereditary cancer in the literature. This variant has been identified in 1/251480 chromosomes in the general population by the Genome Aggregation Database (gnomAD). The available evidence is insufficient to determine the role of this variant in disease conclusively. Therefore, this variant is classified as a Variant of Uncertain Significance.